The following is an entry in ClinVar:

ClinVar aggregate classification (germline): Uncertain significance (1 of 4 stars; one submission).

Conditions:
Emery-Dreifuss muscular dystrophy 5, autosomal dominant (EDMD5). Also called: EMERY-DREIFUSS MUSCULAR DYSTROPHY 5. Identifiers: Orphanet 261, MedGen C2751805, MONDO:0013072, OMIM 612999.

Submission:

Labcorp Genetics (formerly Invitae), Labcorp
Classification: Uncertain significance for Emery-Dreifuss muscular dystrophy 5, autosomal dominant. Last evaluated: 2018-06-28. Review status: criteria provided, single submitter. Criteria: Invitae Variant Classification Sherloc (09022015). Collection method: clinical testing. Allele origin: germline.
Comment: This sequence change replaces serine with leucine at codon 4157 of the SYNE2 protein (p.Ser4157Leu). The serine residue is weakly conserved and there is a large physicochemical difference between serine and leucine. This variant is not present in population databases (ExAC no frequency). This variant has not been reported in the literature in individuals with SYNE2-related disease. Algorithms developed to predict the effect of missense changes on protein structure and function are either unavailable or do not agree on the potential impact of this missense change (SIFT: "Tolerated"; PolyPhen-2: "Possibly Damaging"; Align-GVGD: "Class C0"). In summary, the available evidence is currently insufficient to determine the role of this variant in disease. Therefore, it has been classified as a Variant of Uncertain Significance.

NM_182914.3(SYNE2):c.12470C>T (p.Ser4157Leu)

Gene: SYNE2 (spectrin repeat containing nuclear envelope protein 2; plus strand). Cytogenetic location: 14q23.2.
Variant type: single nucleotide variant.
Coding change: c.12470C>T on transcript NM_182914.3 (MANE Select); coding-DNA position 12470, C replaced by T.
Protein change: p.Ser4157Leu; replaces serine 4157 with leucine.
Molecular consequence: missense variant.
Genome position (GRCh38, 1-based): chr14:64,102,020, C>T. VCF-style: chr14-64102020-C-T. GRCh37 (hg19) VCF-style: chr14-64568738-C-T.
Other names: c.12470C>T, p.Ser4157Leu (NM_015180.6); short protein forms S4157L.
Identifiers: ClinVar variation 573975 (VCV000573975.1), dbSNP rs1567303775, ClinGen allele CA389954457.